The following is an entry in ClinVar:

ClinVar aggregate classification (germline): Likely benign. Review status: criteria provided, multiple submitters, no conflicts (2 of 4 stars). 2 submissions from 2 submitters: Likely benign (2). Last evaluated 2026-07-01.

Conditions:
Fanconi anemia complementation group E (FANCE). Also called: FANCE-Related Fanconi Anemia. Identifiers: Orphanet 84, MedGen C3160739, MONDO:0010953, OMIM 600901.

Allele frequency attached by ClinVar (database versions not stated): TOPMed 0.00001; gnomAD 0.00002; gnomAD exomes 0.00008; ExAC 0.00012.
gnomAD v4.1: 44 of 1,613,848 alleles (0.0027%); highest among the groups gnomAD compares: Non-Finnish European, 0.0037%; no homozygotes.

Submissions (2):

CeGaT Center for Human Genetics Tuebingen
Classification: Likely benign. Last evaluated: 2026-07-01. Review status: criteria provided, single submitter. Criteria: CeGaT Center For Human Genetics Tuebingen Variant Classification Criteria Version 2. Collection method: clinical testing. Allele origin: germline. Affected: yes. Observed: 1 variant allele.
Comment: FANCE: BP4, BP7

Labcorp Genetics (formerly Invitae), Labcorp
Classification: Likely benign for Fanconi anemia complementation group E. Last evaluated: 2025-06-08. Review status: criteria provided, single submitter. Criteria: Invitae Variant Classification Sherloc (09022015). Collection method: clinical testing. Allele origin: germline.

NM_021922.3(FANCE):c.981G>A (p.Leu327=)

Gene: FANCE (FA complementation group E; plus strand). Cytogenetic location: 6p21.31.
Variant type: single nucleotide variant.
Coding change: c.981G>A on transcript NM_021922.3 (MANE Select); coding-DNA position 981, G replaced by A.
Protein change: p.Leu327=; no amino-acid change (leucine 327 retained).
Molecular consequence: synonymous variant.
Genome position (GRCh38, 1-based): chr6:35,458,308, G>A. VCF-style: chr6-35458308-G-A. GRCh37 (hg19) VCF-style: chr6-35426085-G-A.
Identifiers: ClinVar variation 1587902 (VCV001587902.9), dbSNP rs772385794, ClinGen allele CA3771573.